The following is an entry in ClinVar:

ClinVar aggregate classification (germline): Likely pathogenic (1 of 4 stars; one submission).

Conditions:
Autosomal dominant TSHR-related disorders.

Submission:

Variantyx, Inc.
Classification: Likely pathogenic for Autosomal dominant TSHR-related disorders. Last evaluated: 2025-11-08. Review status: criteria provided, single submitter. Criteria: Variantyx Assertion Criteria 2022. Collection method: clinical testing. Allele origin: germline. Inheritance: Autosomal dominant inheritance. Affected: yes.
Comment: This is a frameshift variant in the TSHR gene (OMIM: 603372). Pathogenic variants in this gene have been associated with autosomal dominant TSHR-related disorders. This variant introduces a premature termination codon in exon 10 out of 10 and is expected to result in loss of function, which is a known disease mechanism for TSHR in this disorder (PMID: 22049173, 12050212, 20515734) (PVS1). This variant is absent from control populations (PM2). Based on the current evidence, this variant is classified as likely pathogenic for autosomal dominant TSHR-related disorders.This variant was reported by previous genetic testing.

Literature cited by the submitters: PubMed 22049173; PubMed 12050212; PubMed 20515734.

NM_000369.5(TSHR):c.1139del (p.Ala380fs)

Genes: TSHR (thyroid stimulating hormone receptor; plus strand), TSHR-AS1 (TSHR antisense RNA 1; minus strand). Cytogenetic location: 14q31.1.
Variant type: Deletion.
Coding change: c.1139del on transcript NM_000369.5 (MANE Select); coding-DNA position 1139, one base deleted (C; older notation c.1139delC).
Protein change: p.Ala380fs; shifts the reading frame from alanine 380.
Molecular consequence: frameshift variant.
Genome position (GRCh38, 1-based): chr14:81,143,197, C deleted. VCF-style (leftmost placement, unchanged base first): chr14-81143196-GC-G. GRCh37 (hg19) VCF-style: chr14-81609540-GC-G.
Other names: short protein forms A380fs.
Identifiers: ClinVar variation 4849980 (VCV004849980.1).